The following is an entry in ClinVar:

NM_020921.4(NIN):c.2839G>C (p.Glu947Gln)

Gene: NIN (ninein; minus strand). Cytogenetic location: 14q22.1.
Variant type: single nucleotide variant.
Coding change: c.2839G>C on transcript NM_020921.4 (MANE Select); coding-DNA position 2839, G replaced by C.
Protein change: p.Glu947Gln; replaces glutamic acid 947 with glutamine.
Molecular consequence: missense variant. On other transcripts: intron variant (1).
Genome position (GRCh38, 1-based): chr14:50,758,191, C>G on the plus strand (G>C on the coding strand, the complement: NIN is on the minus strand). VCF-style: chr14-50758191-C-G. GRCh37 (hg19) VCF-style: chr14-51224909-C-G.
Other names: c.2839G>C, p.Glu947Gln (NM_182944.3, NM_182946.2); c.2399+1666G>C (NM_016350.5); short protein forms E947Q.
Identifiers: ClinVar variation 3629805 (VCV003629805.1).
Genomic context (GRCh38, chr14:50,758,191, plus strand): 5'-GGCTGGCCAGCTGCTCCGAAGCCCCTGCCTGGCACAGGACCTCCTCACGCTCCCTCAGTT[C>G]CCTTTTGTGACTGCTCTTCAGCTCAAGTATCTGGTCAGACAGCAGGCTTTGCTGGGTTTC-3'
Protein context (NP_065972.4, residues 937-957): ILELKSSHKR[Glu947Gln]LREREEVLCQ

ClinVar aggregate classification (germline): Uncertain significance (1 of 4 stars; one submission).

gnomAD v4.1: 1 of 1,614,222 alleles (0.000062%); highest among the groups gnomAD compares: Admixed American, 0.0017%; no homozygotes.

Submission:

Women's Health and Genetics/Laboratory Corporation of America, LabCorp
Classification: Uncertain significance. Last evaluated: 2024-11-06. Review status: criteria provided, single submitter. Criteria: LabCorp Variant Classification Summary - May 2015. Collection method: clinical testing. Allele origin: germline.
Comment: Variant summary: NIN c.2839G>C (p.Glu947Gln) results in a conservative amino acid change in the encoded protein sequence. Four of five in-silico tools predict a benign effect of the variant on protein function. The variant allele was found at a frequency of 4e-06 in 251462 control chromosomes. The available data on variant occurrences in the general population are insufficient to allow any conclusion about variant significance. To our knowledge, no occurrence of c.2839G>C in individuals affected with Seckel Syndrome 7 and no experimental evidence demonstrating its impact on protein function have been reported. No submitters have cited clinical-significance assessments for this variant to ClinVar. Based on the evidence outlined above, the variant was classified as uncertain significance.